The following is an entry in ClinVar:

NM_020975.6(RET):c.3187+13A>G

Gene: RET (ret proto-oncogene; plus strand). Cytogenetic location: 10q11.21.
Variant type: single nucleotide variant.
Coding change: c.3187+13A>G on transcript NM_020975.6 (MANE Select); 13 bases into the intron after coding-DNA position 3187, A replaced by G.
Molecular consequence: intron variant. On other transcripts: missense variant (18).
Genome position (GRCh38, 1-based): chr10:43,126,735, A>G. VCF-style: chr10-43126735-A-G. GRCh37 (hg19) VCF-style: chr10-43622183-A-G.
Other names: c.2438A>G, p.His813Arg (NM_001355216.2); c.3071A>G, p.His1024Arg (NM_001406764.1); c.3065A>G, p.His1022Arg (NM_001406765.1); c.2936A>G, p.His979Arg (NM_001406768.1); c.2912A>G, p.His971Arg (NM_001406770.1); c.2804A>G, p.His935Arg (NM_001406772.1); c.1751A>G, p.His584Arg (NM_001406794.1); c.3200A>G, p.His1067Arg (NM_020630.7); and 24 more; short protein forms H1022R, H584R, H728R, H737R, H768R, H935R, H1067R, H632R.
Identifiers: ClinVar variation 2784919 (VCV002784919.4), dbSNP rs2538646408, ClinGen allele CA376558592.

ClinVar aggregate classification (germline): Conflicting classifications of pathogenicity. Review status: criteria provided, conflicting classifications (1 of 4 stars). 2 submissions from 2 submitters: Uncertain significance (1); Likely benign (1). Last evaluated 2026-07-06.

Conditions:
Multiple endocrine neoplasia, type 2 (MEN2). Identifiers: Orphanet 653, MedGen C4048306, MONDO:0019003. Disease mechanism: gain of function.
Hereditary cancer-predisposing syndrome. Also called: Hereditary Cancer Syndrome; Hereditary neoplastic syndrome; Neoplastic Syndromes, Hereditary; Tumor predisposition. Identifiers: Orphanet 140162, MedGen C0027672, MeSH D009386, MONDO:0015356.

Submissions (2):

Ambry Genetics
Classification: Uncertain significance for Hereditary cancer-predisposing syndrome. Last evaluated: 2026-07-06. Review status: criteria provided, single submitter. Criteria: Ambry Variant Classification Scheme 2023. Collection method: clinical testing. Allele origin: germline.
Comment: The p.H1067R variant (also known as c.3200A>G), located in coding exon 19 of the RET gene, results from an A to G substitution at nucleotide position 3200. The histidine at codon 1067 is replaced by arginine, an amino acid with highly similar properties. This amino acid position is conserved. In addition, the in silico prediction for this alteration is inconclusive. Based on the available evidence, the clinical significance of this variant remains unclear.

Labcorp Genetics (formerly Invitae), Labcorp
Classification: Likely benign for Multiple endocrine neoplasia, type 2. Last evaluated: 2023-07-20. Review status: criteria provided, single submitter. Criteria: Invitae Variant Classification Sherloc (09022015). Collection method: clinical testing. Allele origin: germline.